The following is an entry in ClinVar:

ClinVar aggregate classification (germline): Uncertain significance (1 of 4 stars; one submission).

Conditions:
Asphyxiating thoracic dystrophy 5 (SRTD5). Also called: SHORT-RIB THORACIC DYSPLASIA 5 WITH OR WITHOUT POLYDACTYLY; SHORT-RIB THORACIC DYSPLASIA 5 WITHOUT POLYDACTYLY. Identifiers: Orphanet 474, MedGen C3280598, MONDO:0013717, OMIM 614376.
Senior-Loken syndrome 8 (SLSN8). Identifiers: Orphanet 3156, MedGen C4225376, MONDO:0014579, OMIM 616307.

Allele frequency attached by ClinVar (database versions not stated): gnomAD exomes 0.00001.

Submission:

Labcorp Genetics (formerly Invitae), Labcorp
Classification: Uncertain significance for Senior-Loken syndrome 8; Asphyxiating thoracic dystrophy 5. Last evaluated: 2019-12-18. Review status: criteria provided, single submitter. Criteria: Invitae Variant Classification Sherloc (09022015). Collection method: clinical testing. Allele origin: germline.
Comment: In summary, the available evidence is currently insufficient to determine the role of this variant in disease. Therefore, it has been classified as a Variant of Uncertain Significance. Algorithms developed to predict the effect of missense changes on protein structure and function output the following: SIFT: "Tolerated"; PolyPhen-2: "Benign"; Align-GVGD: "Class C0". The leucine amino acid residue is found in multiple mammalian species, suggesting that this missense change does not adversely affect protein function. These predictions have not been confirmed by published functional studies and their clinical significance is uncertain. This variant has not been reported in the literature in individuals with WDR19-related conditions. This variant is not present in population databases (ExAC no frequency). This sequence change replaces methionine with leucine at codon 1085 of the WDR19 protein (p.Met1085Leu). The methionine residue is moderately conserved and there is a small physicochemical difference between methionine and leucine.

NM_025132.4(WDR19):c.3253A>C (p.Met1085Leu)

Gene: WDR19 (WD repeat domain 19; plus strand). Cytogenetic location: 4p14.
Variant type: single nucleotide variant.
Coding change: c.3253A>C on transcript NM_025132.4 (MANE Select); coding-DNA position 3253, A replaced by C.
Protein change: p.Met1085Leu; replaces methionine 1085 with leucine.
Molecular consequence: missense variant.
Genome position (GRCh38, 1-based): chr4:39,266,132, A>C. VCF-style: chr4-39266132-A-C. GRCh37 (hg19) VCF-style: chr4-39267752-A-C.
Other names: c.2773A>C, p.Met925Leu (NM_001317924.2); short protein forms M1085L, M925L.
Identifiers: ClinVar variation 849765 (VCV000849765.9), dbSNP rs1331013833, ClinGen allele CA356644996.